The following is an entry in ClinVar:

NM_032492.4(JAGN1):c.244A>G (p.Ile82Val)

Gene: JAGN1 (jagunal vesicle mediated transporter 1; plus strand). Cytogenetic location: 3p25.3.
Variant type: single nucleotide variant.
Coding change: c.244A>G on transcript NM_032492.4 (MANE Select); coding-DNA position 244, A replaced by G.
Protein change: p.Ile82Val; replaces isoleucine 82 with valine.
Molecular consequence: missense variant.
Genome position (GRCh38, 1-based): chr3:9,893,069, A>G. VCF-style: chr3-9893069-A-G. GRCh37 (hg19) VCF-style: chr3-9934753-A-G.
Other names: p.Ile82Val; c.244A>G, p.Ile82Val (LRG_1228t1); c.82A>G, p.Ile28Val (NM_001363890.1); short protein forms I82V, I28V.
Identifiers: ClinVar variation 475246 (VCV000475246.14), dbSNP rs35365817, ClinGen allele CA2245850.

ClinVar aggregate classification (germline): Benign/Likely benign. Review status: criteria provided, multiple submitters, no conflicts (2 of 4 stars). 5 submissions from 5 submitters: Benign (3); Likely benign (2). Last evaluated 2026-02-04.

Conditions:
Autosomal recessive severe congenital neutropenia due to JAGN1 deficiency. Also called: Severe congenital neutropenia 6, autosomal recessive. Identifiers: Orphanet 423384, MedGen C4014954, MONDO:0014456, OMIM 616022.

Allele frequency attached by ClinVar (database versions not stated): 1000 Genomes Project 0.01318; 1000 Genomes Project 30x 0.01343; gnomAD exomes 0.02242 and 0.03210; gnomAD 0.02265 and 0.02315; ExAC 0.02313; TOPMed 0.02354; ESP Exome Variant Server 0.02514.

Submissions (5):

Labcorp Genetics (formerly Invitae), Labcorp
Classification: Benign for Autosomal recessive severe congenital neutropenia due to JAGN1 deficiency. Last evaluated: 2026-02-04. Review status: criteria provided, single submitter. Criteria: Invitae Variant Classification Sherloc (09022015). Collection method: clinical testing. Allele origin: germline.

Women's Health and Genetics/Laboratory Corporation of America, LabCorp
Classification: Likely benign. Last evaluated: 2026-01-21. Review status: criteria provided, single submitter. Criteria: LabCorp Variant Classification Summary - May 2015. Collection method: clinical testing. Allele origin: germline.

Blueprint Genetics
Classification: Likely benign. Last evaluated: 2024-11-25. Review status: criteria provided, single submitter. Criteria: ACMG Guidelines, 2015. Collection method: clinical testing. Allele origin: germline.

Mayo Clinic Laboratories, Mayo Clinic
Classification: Benign. Last evaluated: 2023-07-06. Review status: criteria provided, single submitter. Criteria: ACMG Guidelines, 2015. Collection method: clinical testing. Allele origin: germline. Observed: 36 variant alleles.
Comment: BS1, BS2, BP4

Breakthrough Genomics
Classification: Benign. Review status: criteria provided, single submitter. Criteria: ACMG Guidelines, 2015. Collection method: not provided. Allele origin: germline. Inheritance: Autosomal recessive inheritance. Affected: yes.